The following is an entry in ClinVar:

NM_006506.5(RASA2):c.578C>T (p.Pro193Leu)

Gene: RASA2 (RAS p21 protein activator 2; plus strand). Cytogenetic location: 3q23.
Variant type: single nucleotide variant.
Coding change: c.578C>T on transcript NM_006506.5 (MANE Select); coding-DNA position 578, C replaced by T.
Protein change: p.Pro193Leu; replaces proline 193 with leucine.
Molecular consequence: missense variant.
Genome position (GRCh38, 1-based): chr3:141,553,907, C>T. VCF-style: chr3-141553907-C-T. GRCh37 (hg19) VCF-style: chr3-141272749-C-T.
Other names: c.578C>T, p.Pro193Leu (NM_001303245.3, NM_001303246.3); short protein forms P193L.
Identifiers: ClinVar variation 5027892 (VCV005027892.1).

ClinVar aggregate classification (germline): Uncertain significance (1 of 4 stars; one submission).

gnomAD v4.1: 3 of 1,612,404 alleles (0.00019%); highest among the groups gnomAD compares: Admixed American, 0.0017%; no homozygotes.

Submission:

Ambry Genetics
Classification: Uncertain significance. Last evaluated: 2026-07-28. Review status: criteria provided, single submitter. Criteria: Ambry Variant Classification Scheme 2023. Collection method: clinical testing. Allele origin: germline.
Comment: The p.P193L variant (also known as c.578C>T), located in coding exon 6 of the RASA2 gene, results from a C to T substitution at nucleotide position 578. The proline at codon 193 is replaced by leucine, an amino acid with similar properties. This amino acid position is conserved. In addition, the in silico prediction for this alteration is inconclusive. Based on the available evidence, the clinical significance of this variant remains unclear.